The following is an entry in ClinVar:

NM_198525.3(KIF7):c.2481C>T (p.Asn827=)

Gene: KIF7 (kinesin family member 7; minus strand). Cytogenetic location: 15q26.1.
Variant type: single nucleotide variant.
Coding change: c.2481C>T on transcript NM_198525.3 (MANE Select); coding-DNA position 2481, C replaced by T.
Protein change: p.Asn827=; no amino-acid change (asparagine 827 retained).
Molecular consequence: synonymous variant.
Genome position (GRCh38, 1-based): chr15:89,633,797, G>A on the plus strand (C>T on the coding strand, the complement: KIF7 is on the minus strand). VCF-style: chr15-89633797-G-A. GRCh37 (hg19) VCF-style: chr15-90177028-G-A.
Other names: p.Asn827=.
Identifiers: ClinVar variation 129412 (VCV000129412.23), dbSNP rs35837280, ClinGen allele CA020275.
Genomic context (GRCh38, chr15:89,633,797, plus strand): 5'-CTCCGTCTCCTCGCGAAGCCGCCTCTGCAGCTGTCCCTGCTGCTGCCGCATGAGCTGCAC[G>A]TTCCGCTCGAGCTCCTGCAGTCGCTTCTCACTCTGGGCCGACAGTGACACCAGCCGCTCC-3'
Protein context (NP_940927.2, residues 817-837): SEKRLQELER[Asn827=]VQLMRQQQGQ

ClinVar aggregate classification (germline): Benign. Review status: criteria provided, multiple submitters, no conflicts (2 of 4 stars). 8 submissions from 8 submitters: Benign (5). 3 of the submissions do not count toward it. Last evaluated 2026-02-02.

Conditions:
Acrocallosal syndrome (ACLS). Also called: HALLUX DUPLICATION, POSTAXIAL POLYDACTYLY, AND ABSENCE OF CORPUS CALLOSUM; Schinzel syndrome 1; Absence of corpus callosum with unusual facial appearance, mental deficiency, duplication of the halluces and polydactyly. Identifiers: Orphanet 36, MedGen C0796147, MONDO:0008708, OMIM 200990.

Allele frequency attached by ClinVar (database versions not stated): gnomAD exomes 0.00105 and 0.00275; ExAC 0.00346; 1000 Genomes Project 30x 0.00937; 1000 Genomes Project 0.00958; gnomAD 0.01094 and 0.01186; TOPMed 0.01179; ESP Exome Variant Server 0.01216.
gnomAD v4.1: 3,239 of 1,612,390 alleles (0.2%); highest among the groups gnomAD compares: African/African-American, 3.8%; 62 homozygotes.

Submissions (8):

Labcorp Genetics (formerly Invitae), Labcorp
Classification: Benign for Acrocallosal syndrome. Last evaluated: 2026-02-02. Review status: criteria provided, single submitter. Criteria: Invitae Variant Classification Sherloc (09022015). Collection method: clinical testing. Allele origin: germline.

Mayo Clinic Laboratories, Mayo Clinic
Classification: Benign. Last evaluated: 2025-10-15. Review status: criteria provided, single submitter. Criteria: ACMG Guidelines, 2015. Collection method: clinical testing. Allele origin: germline. Observed: 1 variant allele.
Comment: BS1, BS2, BP4, BP7

Illumina Laboratory Services, Illumina
Classification: Benign for Acrocallosal syndrome. Last evaluated: 2018-01-13. Review status: criteria provided, single submitter. Criteria: ICSL Variant Classification Criteria 13 December 2019. Collection method: clinical testing. Allele origin: germline.
Comment: This variant was observed in the ICSL laboratory as part of a predisposition screen in an ostensibly healthy population. It had not been previously curated by ICSL or reported in the Human Gene Mutation Database (HGMD: prior to June 1st, 2018), and was therefore a candidate for classification through an automated scoring system. Utilizing variant allele frequency, disease prevalence and penetrance estimates, and inheritance mode, an automated score was calculated to assess if this variant is too frequent to cause the disease. Based on the score and internal cut-off values, a variant classified as benign is not then subjected to further curation. The score for this variant resulted in a classification of benign for this disease.

GeneDx
Classification: Benign. Last evaluated: 2015-04-23. Review status: criteria provided, single submitter. Criteria: GeneDx Variant Classification (06012015). Collection method: clinical testing. Allele origin: germline. Affected: yes.
Comment: This variant is considered likely benign or benign based on one or more of the following criteria: it is a conservative change, it occurs at a poorly conserved position in the protein, it is predicted to be benign by multiple in silico algorithms, and/or has population frequency not consistent with disease.

Breakthrough Genomics
Classification: Benign. Review status: criteria provided, single submitter. Criteria: ACMG Guidelines, 2015. Collection method: not provided. Allele origin: germline. Inheritance: Autosomal recessive inheritance. Affected: yes.

Clinical Genetics DNA and cytogenetics Diagnostics Lab, Erasmus MC, Erasmus Medical Center
Classification: Benign. Review status: no assertion criteria provided. Collection method: clinical testing. Allele origin: germline. Affected: yes. Study: VKGL Data-share Consensus. Not counted in ClinVar's aggregate classification.

Genetic Services Laboratory, University of Chicago
Classification: Likely benign for AllHighlyPenetrant. Review status: no assertion criteria provided. Collection method: clinical testing. Allele origin: germline. Inheritance: Autosomal recessive inheritance. Not counted in ClinVar's aggregate classification.
Comment: Likely benign based on allele frequency in 1000 Genomes Project or ESP global frequency and its presence in a patient with a rare or unrelated disease phenotype. NOT Sanger confirmed.

Genome Diagnostics Laboratory, University Medical Center Utrecht
Classification: Likely benign. Review status: no assertion criteria provided. Collection method: clinical testing. Allele origin: germline. Affected: yes. Study: VKGL Data-share Consensus. Not counted in ClinVar's aggregate classification.